The following is an entry in ClinVar:

ClinVar aggregate classification (germline): Uncertain significance (1 of 4 stars; one submission).

Conditions:
Hereditary cancer-predisposing syndrome. Also called: Neoplastic Syndromes, Hereditary; Tumor predisposition; Hereditary Cancer Syndrome; Hereditary neoplastic syndrome. Identifiers: Orphanet 140162, MedGen C0027672, MeSH D009386, MONDO:0015356.
Cardiovascular phenotype. Identifiers: MedGen CN230736.

Submission:

Ambry Genetics
Classification: Uncertain significance for Cardiovascular phenotype; Hereditary cancer-predisposing syndrome. Last evaluated: 2021-04-07. Review status: criteria provided, single submitter. Criteria: Ambry Variant Classification Scheme 2023. Collection method: clinical testing. Allele origin: germline.
Comment: The p.E1238D variant (also known as c.3714A>T), located in coding exon 28 of the NF1 gene, results from an A to T substitution at nucleotide position 3714. The glutamic acid at codon 1238 is replaced by aspartic acid, an amino acid with highly similar properties. This amino acid position is highly conserved in available vertebrate species. In addition, this alteration is predicted to be deleterious by in silico analysis. Since supporting evidence is limited at this time, the clinical significance of this alteration remains unclear.

NM_001042492.3(NF1):c.3714A>T (p.Glu1238Asp)

Gene: NF1 (neurofibromin 1; plus strand). Cytogenetic location: 17q11.2.
Variant type: single nucleotide variant.
Coding change: c.3714A>T on transcript NM_001042492.3 (MANE Select); coding-DNA position 3714, A replaced by T.
Protein change: p.Glu1238Asp; replaces glutamic acid 1238 with aspartic acid.
Molecular consequence: missense variant.
Genome position (GRCh38, 1-based): chr17:31,235,616, A>T. VCF-style: chr17-31235616-A-T. GRCh37 (hg19) VCF-style: chr17-29562634-A-T.
Other names: c.3714A>T, p.Glu1238Asp (NM_000267.4); short protein forms E1238D.
Identifiers: ClinVar variation 1734226 (VCV001734226.2), dbSNP rs1597722384, ClinGen allele CA398992292.
Genomic context (GRCh38, chr17:31,235,616, plus strand): 5'-ACCTAAGAATAAAAATGGGATTGTTTGCACTAACCTGATTTTGTTTTGTTCTCAGGATGA[A>T]CTAGCTCGAGTTCTGGTTACTCTGTTTGATTCTCGGCATTTACTCTACCAACTGCTCTGG-3'
Protein context (NP_001035957.1, residues 1228-1248): ANVVPCSQWD[Glu1238Asp]LARVLVTLFD